The following is an entry in ClinVar:

ClinVar aggregate classification (germline): Uncertain significance (1 of 4 stars; one submission).

gnomAD v4.1: 1 of 1,613,136 alleles (0.000062%); highest among the groups gnomAD compares: African/African-American, 0.0013%; no homozygotes.

Submission:

Labcorp Genetics (formerly Invitae), Labcorp
Classification: Uncertain significance. Last evaluated: 2025-09-28. Review status: criteria provided, single submitter. Criteria: Invitae Variant Classification Sherloc (09022015). Collection method: clinical testing. Allele origin: germline.
Comment: This sequence change replaces threonine, which is neutral and polar, with alanine, which is neutral and non-polar, at codon 1067 of the COL11A1 protein (p.Thr1067Ala). This variant is not present in population databases (gnomAD no frequency). This variant has not been reported in the literature in individuals affected with COL11A1-related conditions. Invitae Evidence Modeling of protein sequence and biophysical properties (such as structural, functional, and spatial information, amino acid conservation, physicochemical variation, residue mobility, and thermodynamic stability) has been performed for this missense variant. However, the output from this modeling did not meet the statistical confidence thresholds required to predict the impact of this variant on COL11A1 protein function. In summary, the available evidence is currently insufficient to determine the role of this variant in disease. Therefore, it has been classified as a Variant of Uncertain Significance.

NM_001854.4(COL11A1):c.3199A>G (p.Thr1067Ala)

Gene: COL11A1 (collagen type XI alpha 1 chain; minus strand). Cytogenetic location: 1p21.1.
Variant type: single nucleotide variant.
Coding change: c.3199A>G on transcript NM_001854.4 (MANE Select); coding-DNA position 3199, A replaced by G.
Protein change: p.Thr1067Ala; replaces threonine 1067 with alanine.
Molecular consequence: missense variant. On other transcripts: non-coding transcript variant (1).
Genome position (GRCh38, 1-based): chr1:102,946,926, T>C on the plus strand (A>G on the coding strand, the complement: COL11A1 is on the minus strand). VCF-style: chr1-102946926-T-C. GRCh37 (hg19) VCF-style: chr1-103412482-T-C.
Other names: c.3082A>G, p.Thr1028Ala (NM_001190709.2); c.3235A>G, p.Thr1079Ala (NM_080629.3); c.2851A>G, p.Thr951Ala (NM_080630.4); short protein forms T951A, T1028A, T1079A, T1067A.
Identifiers: ClinVar variation 4711031 (VCV004711031.1).